The following is an entry in ClinVar:

ClinVar aggregate classification (germline): Uncertain significance (1 of 4 stars; one submission).

Conditions:
Infantile-onset ascending hereditary spastic paralysis (IAHSP). Also called: Infantile-Onset Ascending Hereditary Spastic Paralysis (IAHSP); Autosomal Recessive Juvenile Amyotrophic Lateral Sclerosis. Identifiers: Orphanet 293168, MedGen C2931441, MONDO:0011797, OMIM 607225. Disease mechanism: loss of function.

Allele frequency attached by ClinVar (database versions not stated): TOPMed below 0.00001; gnomAD exomes 0.00001; ExAC 0.00002; ESP Exome Variant Server 0.00008.
gnomAD v4.1: 11 of 1,614,116 alleles (0.00068%); highest among the groups gnomAD compares: Admixed American, 0.0033%; no homozygotes.

Submission:

Labcorp Genetics (formerly Invitae), Labcorp
Classification: Uncertain significance for Infantile-onset ascending hereditary spastic paralysis. Last evaluated: 2024-12-16. Review status: criteria provided, single submitter. Criteria: Invitae Variant Classification Sherloc (09022015). Collection method: clinical testing. Allele origin: germline.
Comment: This sequence change replaces arginine, which is basic and polar, with histidine, which is basic and polar, at codon 1032 of the ALS2 protein (p.Arg1032His). This variant is present in population databases (rs373432894, gnomAD 0.009%). This variant has not been reported in the literature in individuals affected with ALS2-related conditions. ClinVar contains an entry for this variant (Variation ID: 2071448). Invitae Evidence Modeling of protein sequence and biophysical properties (such as structural, functional, and spatial information, amino acid conservation, physicochemical variation, residue mobility, and thermodynamic stability) indicates that this missense variant is expected to disrupt ALS2 protein function with a positive predictive value of 80%. In summary, the available evidence is currently insufficient to determine the role of this variant in disease. Therefore, it has been classified as a Variant of Uncertain Significance.

NM_020919.4(ALS2):c.3095G>A (p.Arg1032His)

Gene: ALS2 (alsin Rho guanine nucleotide exchange factor ALS2; minus strand). Cytogenetic location: 2q33.1.
Variant type: single nucleotide variant.
Coding change: c.3095G>A on transcript NM_020919.4 (MANE Select); coding-DNA position 3095, G replaced by A.
Protein change: p.Arg1032His; replaces arginine 1032 with histidine.
Molecular consequence: missense variant.
Genome position (GRCh38, 1-based): chr2:201,726,751, C>T on the plus strand (G>A on the coding strand, the complement: ALS2 is on the minus strand). VCF-style: chr2-201726751-C-T. GRCh37 (hg19) VCF-style: chr2-202591474-C-T.
Other names: c.3095G>A, p.Arg1032His (NM_001410975.1); short protein forms R1032H.
Identifiers: ClinVar variation 2071448 (VCV002071448.3), dbSNP rs373432894, ClinGen allele CA2057987.